The following is an entry in ClinVar:

NM_000540.3(RYR1):c.5509_5512del (p.Gln1837fs)

Gene: RYR1 (ryanodine receptor 1; plus strand). Cytogenetic location: 19q13.2.
Variant type: Deletion.
Coding change: c.5509_5512del on transcript NM_000540.3 (MANE Select); coding-DNA positions 5509 to 5512, 4 bases deleted (CAGT; older notation c.5509_5512delCAGT).
Protein change: p.Gln1837fs; shifts the reading frame from glutamine 1837.
Molecular consequence: frameshift variant.
Genome position (GRCh38, 1-based): chr19:38,486,164-38,486,167, CAGT deleted. VCF-style (leftmost placement, unchanged base first): chr19-38486163-CCAGT-C. GRCh37 (hg19) VCF-style: chr19-38976803-CCAGT-C.
Other names: c.5509_5512del, p.Gln1837fs (NM_001042723.2); short protein forms Q1837fs.
Identifiers: ClinVar variation 3070803 (VCV003070803.1), dbSNP rs2514231045, ClinGen allele CA2825002785.

ClinVar aggregate classification (germline): Uncertain significance (1 of 4 stars; one submission).

Conditions:
Malignant hyperthermia, susceptibility to, 1 (MHS1). Also called: Anesthesia related hyperthermia; Malignant hyperpyrexia; Fulminating hyperpyrexia; Pharmacogenic myopathy; RYR1-Related Malignant Hyperthermia Susceptibility; Malignant hyperthermia suceptibility 1. Identifiers: Orphanet 423, MedGen C2930980, MONDO:0007783, OMIM 145600.

Submission:

All of Us Research Program, National Institutes of Health
Classification: Uncertain significance for Malignant hyperthermia, susceptibility to, 1. Last evaluated: 2023-05-04. Review status: criteria provided, single submitter. Criteria: ACMG Guidelines, 2015. Collection method: clinical testing. Allele origin: germline. Inheritance: Autosomal dominant inheritance. Observed: 1 variant allele, 1 heterozygote.
Comment: This study involves interpretation of variants in research participants for the purpose of population health screening. Participant phenotype was not available at the time of variant classification. Additional details can be found in publication PMID: 35346344, PMCID: PMC8962531